The following is an entry in ClinVar:

ClinVar aggregate classification (germline): Likely benign (0 of 4 stars; one submission).

Conditions:
MAP4-related disorder. Also called: MAP4-related condition.

Allele frequency attached by ClinVar (database versions not stated): TOPMed 0.00001; gnomAD 0.00002; ExAC 0.00002; gnomAD exomes 0.00009.
gnomAD v4.1: 130 of 1,614,042 alleles (0.0081%); highest among the groups gnomAD compares: Non-Finnish European, 0.011%; no homozygotes.

Submission:

PreventionGenetics, part of Exact Sciences
Classification: Likely benign for MAP4-related condition. Last evaluated: 2019-06-11. Review status: no assertion criteria provided. Collection method: clinical testing. Allele origin: germline.
Comment: This variant is classified as likely benign based on ACMG/AMP sequence variant interpretation guidelines (Richards et al. 2015 PMID: 25741868, with internal and published modifications).

NM_001385682.1(MAP4):c.1707T>C (p.Asn569=)

Gene: MAP4 (microtubule associated protein 4; minus strand). Cytogenetic location: 3p21.31.
Variant type: single nucleotide variant.
Coding change: c.1707T>C on transcript NM_001385682.1 (MANE Select); coding-DNA position 1707, T replaced by C.
Protein change: p.Asn569=; no amino-acid change (asparagine 569 retained).
Molecular consequence: synonymous variant. On other transcripts: intron variant (10).
Genome position (GRCh38, 1-based): chr3:47,916,120, A>G on the plus strand (T>C on the coding strand, the complement: MAP4 is on the minus strand). VCF-style: chr3-47916120-A-G. GRCh37 (hg19) VCF-style: chr3-47957610-A-G.
Other names: c.1074T>C, p.Asn358= (NM_001384778.1, NM_001384856.1); c.1707T>C, p.Asn569= (NM_001384779.1, NM_001384781.1, NM_001384785.1 and 41 more transcripts); c.1638T>C, p.Asn546= (NM_001384780.1, NM_001384782.1, NM_001384783.1 and 10 more transcripts); c.1758T>C, p.Asn586= (NM_001384788.1, NM_001384790.1, NM_001384792.1 and 9 more transcripts); c.1635T>C, p.Asn545= (NM_001384789.1, NM_001384791.1, NM_001384793.1 and 2 more transcripts); c.1794T>C, p.Asn598= (NM_001384795.1); c.1470T>C, p.Asn490= (NM_001384803.1, NM_001384807.1, NM_001384842.1 and 1 more transcripts); c.1584T>C, p.Asn528= (NM_001384804.1, NM_001384805.1, NM_001384806.1 and 14 more transcripts); and 15 more.
Identifiers: ClinVar variation 3033770 (VCV003033770.2), dbSNP rs753451007, ClinGen allele CA2371412.